The following is an entry in ClinVar:

ClinVar aggregate classification (germline): Uncertain significance (1 of 4 stars; one submission).

Conditions:
Epileptic encephalopathy. Identifiers: MedGen C0543888, HP:0200134.

Submission:

Labcorp Genetics (formerly Invitae), Labcorp
Classification: Uncertain significance for Epileptic encephalopathy. Last evaluated: 2022-03-19. Review status: criteria provided, single submitter. Criteria: Invitae Variant Classification Sherloc (09022015). Collection method: clinical testing. Allele origin: germline.
Comment: In summary, the available evidence is currently insufficient to determine the role of this variant in disease. Therefore, it has been classified as a Variant of Uncertain Significance. Algorithms developed to predict the effect of missense changes on protein structure and function are either unavailable or do not agree on the potential impact of this missense change (SIFT: "Deleterious"; PolyPhen-2: "Benign"; Align-GVGD: "Class C0"). ClinVar contains an entry for this variant (Variation ID: 1022459). This variant has not been reported in the literature in individuals affected with RYR3-related conditions. This variant is not present in population databases (gnomAD no frequency). This sequence change replaces arginine, which is basic and polar, with serine, which is neutral and polar, at codon 1375 of the RYR3 protein (p.Arg1375Ser).

NM_001036.6(RYR3):c.4125A>C (p.Arg1375Ser)

Gene: RYR3 (ryanodine receptor 3; plus strand). Cytogenetic location: 15q14.
Variant type: single nucleotide variant.
Coding change: c.4125A>C on transcript NM_001036.6 (MANE Select); coding-DNA position 4125, A replaced by C.
Protein change: p.Arg1375Ser; replaces arginine 1375 with serine.
Molecular consequence: missense variant.
Genome position (GRCh38, 1-based): chr15:33,649,218, A>C. VCF-style: chr15-33649218-A-C. GRCh37 (hg19) VCF-style: chr15-33941419-A-C.
Other names: c.4125A>C, p.Arg1375Ser (NM_001243996.4); short protein forms R1375S.
Identifiers: ClinVar variation 1022459 (VCV001022459.8), dbSNP rs2062301446, ClinGen allele CA391578445.